The following is an entry in ClinVar:

NM_005585.5(SMAD6):c.106G>A (p.Asp36Asn)

Gene: SMAD6 (SMAD family member 6; plus strand). Cytogenetic location: 15q22.31.
Variant type: single nucleotide variant.
Coding change: c.106G>A on transcript NM_005585.5 (MANE Select); coding-DNA position 106, G replaced by A.
Protein change: p.Asp36Asn; replaces aspartic acid 36 with asparagine.
Molecular consequence: missense variant. On other transcripts: non-coding transcript variant (1).
Genome position (GRCh38, 1-based): chr15:66,703,364, G>A. VCF-style: chr15-66703364-G-A. GRCh37 (hg19) VCF-style: chr15-66995702-G-A.
Other names: short protein forms D36N.
Identifiers: ClinVar variation 240174 (VCV000240174.11), dbSNP rs773308777, ClinGen allele CA7626437.

ClinVar aggregate classification (germline): Conflicting classifications of pathogenicity. Review status: criteria provided, conflicting classifications (1 of 4 stars). 2 submissions from 2 submitters: Uncertain significance (1); Likely benign (1). Last evaluated 2025-10-27.

Conditions:
Aortic valve disease 2 (AOVD2). Identifiers: MedGen C3542024, MONDO:0013902, OMIM 614823.

Allele frequency attached by ClinVar (database versions not stated): TOPMed 0.00001; gnomAD exomes 0.00002; ExAC 0.00014.
gnomAD v4.1: 17 of 1,475,420 alleles (0.0012%); highest among the groups gnomAD compares: Middle Eastern, 0.047%; no homozygotes.

Submissions (2):

Labcorp Genetics (formerly Invitae), Labcorp
Classification: Uncertain significance for Aortic valve disease 2. Last evaluated: 2025-10-27. Review status: criteria provided, single submitter. Criteria: Invitae Variant Classification Sherloc (09022015). Collection method: clinical testing. Allele origin: germline.
Comment: This sequence change replaces aspartic acid, which is acidic and polar, with asparagine, which is neutral and polar, at codon 36 of the SMAD6 protein (p.Asp36Asn). The frequency data for this variant in the population databases is considered unreliable, as metrics indicate poor data quality at this position in the gnomAD database. This variant has not been reported in the literature in individuals affected with SMAD6-related conditions. ClinVar contains an entry for this variant (Variation ID: 240174). An algorithm developed to predict the effect of missense changes on protein structure and function (PolyPhen-2) suggests that this variant is likely to be tolerated. Experimental studies have shown that this missense change does not substantially affect SMAD6 function (PMID: 32499606). In summary, the available evidence is currently insufficient to determine the role of this variant in disease. Therefore, it has been classified as a Variant of Uncertain Significance.

Blueprint Genetics
Classification: Likely benign. Last evaluated: 2024-11-08. Review status: criteria provided, single submitter. Criteria: ACMG Guidelines, 2015. Collection method: clinical testing. Allele origin: germline.

Literature cited by the submitters: PubMed 32499606 (cited by Labcorp Genetics (formerly Invitae), Labcorp).